The following is an entry in ClinVar:

NM_001384140.1(PCDH15):c.2869-193dup

Gene: PCDH15 (protocadherin related 15; minus strand). Cytogenetic location: 10q21.1.
Variant type: Duplication.
Coding change: c.2869-193dup on transcript NM_001384140.1 (MANE Select); 193 bases into the intron before coding-DNA position 2869, one base duplicated (A; older notation c.2869-193dupA).
Molecular consequence: intron variant.
Genome position (GRCh38, 1-based): chr10:53,962,085, T duplicated on the plus strand (A on the coding strand, the reverse complement: PCDH15 is on the minus strand). VCF-style (leftmost placement, unchanged base first): chr10-53962084-G-GT. GRCh37 (hg19) VCF-style: chr10-55721844-G-GT.
Other names: c.2869-193dup (NM_001354420.2, NM_001354429.2, NM_001142772.2 and 4 more transcripts); c.2884-193dup (NM_001142771.2, NM_001142763.2); c.2890-193dup (NM_001354411.2); c.2905-193dup (NM_001142769.3); c.2803-193dup (NM_001354404.2, NM_001142773.2, NM_001142768.2); c.2758-193dup (NM_001142767.2); c.2656-193dup (NM_001142765.2).
Identifiers: ClinVar variation 678857 (VCV000678857.1), dbSNP rs5785030, ClinGen allele CA207210605.

ClinVar aggregate classification (germline): Benign (1 of 4 stars; one submission).

Allele frequency attached by ClinVar (database versions not stated): gnomAD 0.68812 and 0.68350; 1000 Genomes Project 0.72105; TOPMed 0.69312; 1000 Genomes Project 30x 0.71330.

Submission:

GeneDx
Classification: Benign. Last evaluated: 2018-06-14. Review status: criteria provided, single submitter. Criteria: GeneDx Variant Classification (06012015). Collection method: clinical testing. Allele origin: germline. Affected: yes.
Comment: This variant is considered likely benign or benign based on one or more of the following criteria: it is a conservative change, it occurs at a poorly conserved position in the protein, it is predicted to be benign by multiple in silico algorithms, and/or has population frequency not consistent with disease.